The following is an entry in ClinVar:

NM_014365.3(HSPB8):c.269C>T (p.Pro90Leu)

Gene: HSPB8 (heat shock protein family B (small) member 8; plus strand). Cytogenetic location: 12q24.23.
Variant type: single nucleotide variant.
Coding change: c.269C>T on transcript NM_014365.3 (MANE Select); coding-DNA position 269, C replaced by T.
Protein change: p.Pro90Leu; replaces proline 90 with leucine.
Molecular consequence: missense variant.
Genome position (GRCh38, 1-based): chr12:119,179,581, C>T. VCF-style: chr12-119179581-C-T. GRCh37 (hg19) VCF-style: chr12-119617386-C-T.
Other names: short protein forms P90L.
Identifiers: ClinVar variation 560410 (VCV000560410.3), dbSNP rs1565927080, ClinGen allele CA386525634.

ClinVar aggregate classification (germline): Uncertain significance. Review status: criteria provided, multiple submitters, no conflicts (2 of 4 stars). 2 submissions from 2 submitters: Uncertain significance (2). Last evaluated 2024-07-03.

Conditions:
Neuronopathy, distal hereditary motor, type 2A. Also called: HMN IIA; NEURONOPATHY, DISTAL HEREDITARY MOTOR, AUTOSOMAL DOMINANT 2; NEURONOPATHY, DISTAL HEREDITARY MOTOR, HARDING TYPE IIA; NEUROPATHY, DISTAL HEREDITARY MOTOR, HARDING TYPE IIA; SPINAL MUSCULAR ATROPHY, DISTAL, ADULT, AUTOSOMAL DOMINANT, HARDING TYPE IIA; CHARCOT-MARIE-TOOTH DISEASE, SPINAL, IIA. Identifiers: Orphanet 139525, MedGen C1834692, MONDO:0008025, OMIM 158590.
Charcot-Marie-Tooth disease axonal type 2L. Also called: Charcot-Marie-Tooth Neuropathy Type 2L; CHARCOT-MARIE-TOOTH DISEASE, AXONAL, AUTOSOMAL DOMINANT, TYPE 2L; CHARCOT-MARIE-TOOTH NEUROPATHY, AXONAL, TYPE 2L. Identifiers: Orphanet 99945, MedGen C1837552, MONDO:0012096, OMIM 608673.

Allele frequency attached by ClinVar (database versions not stated): gnomAD exomes below 0.00001; gnomAD 0.00001.

Submissions (2):

Labcorp Genetics (formerly Invitae), Labcorp
Classification: Uncertain significance for Charcot-Marie-Tooth disease axonal type 2L. Last evaluated: 2024-07-03. Review status: criteria provided, single submitter. Criteria: Invitae Variant Classification Sherloc (09022015). Collection method: clinical testing. Allele origin: germline.
Comment: This sequence change replaces proline, which is neutral and non-polar, with leucine, which is neutral and non-polar, at codon 90 of the HSPB8 protein (p.Pro90Leu). This variant is not present in population databases (gnomAD no frequency). This missense change has been observed in individual(s) with distal hereditary motor neuropathy (PMID: 28144995). ClinVar contains an entry for this variant (Variation ID: 560410). An algorithm developed to predict the effect of missense changes on protein structure and function (PolyPhen-2) suggests that this variant is likely to be tolerated. In summary, the available evidence is currently insufficient to determine the role of this variant in disease. Therefore, it has been classified as a Variant of Uncertain Significance.

Biochimie - Maladies Neurologiques Hereditaires, Hospices Civils de Lyon
Classification: Uncertain significance for Neuronopathy, distal hereditary motor, type 2A. Last evaluated: 2017-02-02. Review status: criteria provided, single submitter. Criteria: ACMG Guidelines, 2015. Collection method: clinical testing. Allele origin: inherited. Affected: yes.
Comment: Article ID: HUMU23189

Literature cited by the submitters: PubMed 28144995 (cited by Labcorp Genetics (formerly Invitae), Labcorp).